The following is an entry in ClinVar:

NM_000257.4(MYH7):c.3363G>C (p.Glu1121Asp)

Gene: MYH7 (myosin heavy chain 7; minus strand). Cytogenetic location: 14q11.2.
Variant type: single nucleotide variant.
Coding change: c.3363G>C on transcript NM_000257.4 (MANE Select); coding-DNA position 3363, G replaced by C.
Protein change: p.Glu1121Asp; replaces glutamic acid 1121 with aspartic acid.
Molecular consequence: missense variant.
Genome position (GRCh38, 1-based): chr14:23,420,208, C>G on the plus strand (G>C on the coding strand, the complement: MYH7 is on the minus strand). VCF-style: chr14-23420208-C-G. GRCh37 (hg19) VCF-style: chr14-23889417-C-G.
Other names: short protein forms E1121D.
Identifiers: ClinVar variation 279595 (VCV000279595.3), dbSNP rs886041113, ClinGen allele CA10602713.
Genomic context (GRCh38, chr14:23,420,208, plus strand): 5'-CCGAGACAGGTCTGAGCGCAGCTTCTCCACCTTAGCCCTGGCGGTGCGCTCGGCCTCCAG[C>G]TCCTCCTCCAGCTCCTCGATGCGTGCCTGGTCAGACACAAAGGGCTCAGACCCACCGCCT-3'
Protein context (NP_000248.2, residues 1111-1131): LQARIEELEE[Glu1121Asp]LEAERTARAK

ClinVar aggregate classification (germline): Uncertain significance. Review status: criteria provided, multiple submitters, no conflicts (2 of 4 stars). 3 submissions from 3 submitters: Uncertain significance (3). Last evaluated 2025-03-12.

Conditions:
Hypertrophic cardiomyopathy. Also called: HYPERTROPHIC MYOCARDIOPATHY. Identifiers: Orphanet 217569, MedGen C0007194, MeSH D002312, MONDO:0005045, HP:0001639.
Hypertrophic cardiomyopathy 1 (CMH1). Also called: MYH7-Related Familial Hypertrophic Cardiomyopathy; Familial hypertrophic cardiomyopathy 1. Identifiers: MedGen C3495498, MONDO:0008647, OMIM 192600.
Myopathy, myosin storage, autosomal recessive (CMYO7B). Also called: CONGENITAL MYOPATHY 7B, MYOSIN STORAGE, AUTOSOMAL RECESSIVE. Identifiers: Orphanet 636970, MedGen C1850709, MONDO:0009708, OMIM 255160.
Myosin storage myopathy (CMYO7A). Also called: MYOPATHY, HYALINE BODY, AUTOSOMAL DOMINANT; Scapuloperoneal myopathy, MYH7-related; MYOPATHY WITH LYSIS OF TYPE I MYOFIBRILS; SCAPULOPERONEAL MUSCULAR DYSTROPHY; SCAPULOPERONEAL SYNDROME, MYOPATHIC TYPE; MYH7-related late-onset scapuloperoneal muscular dystrophy. Identifiers: Orphanet 437572, Orphanet 636965, MedGen C1842160, MONDO:0008409, OMIM 608358.
Dilated cardiomyopathy 1S (CMD1S). Identifiers: Orphanet 154, Orphanet 54260, MedGen C1834481, MONDO:0013262, OMIM 613426.
MYH7-related skeletal myopathy. Also called: Laing distal myopathy; Myopathy, distal, 1; MYOPATHY, DISTAL, EARLY-ONSET, AUTOSOMAL DOMINANT; MYOPATHY, LATE DISTAL HEREDITARY; Laing early-onset distal myopathy. Identifiers: Orphanet 59135, MedGen C4552004, MONDO:0008050, OMIM 160500.

Allele frequency attached by ClinVar (database versions not stated): gnomAD exomes below 0.00001.
gnomAD v4.1: 5 of 1,609,014 alleles (0.00031%); highest among the groups gnomAD compares: Non-Finnish European, 0.00042%; no homozygotes.

Submissions (3):

Labcorp Genetics (formerly Invitae), Labcorp
Classification: Uncertain significance for Hypertrophic cardiomyopathy. Last evaluated: 2025-03-12. Review status: criteria provided, single submitter. Criteria: Invitae Variant Classification Sherloc (09022015). Collection method: clinical testing. Allele origin: germline.
Comment: This sequence change replaces glutamic acid, which is acidic and polar, with aspartic acid, which is acidic and polar, at codon 1121 of the MYH7 protein (p.Glu1121Asp). This variant is not present in population databases (gnomAD no frequency). This missense change has been observed in individual(s) with clinical features of MYH7-related conditions (PMID: 31737537). ClinVar contains an entry for this variant (Variation ID: 279595). Invitae Evidence Modeling of protein sequence and biophysical properties (such as structural, functional, and spatial information, amino acid conservation, physicochemical variation, residue mobility, and thermodynamic stability) indicates that this missense variant is expected to disrupt MYH7 protein function with a positive predictive value of 80%. In summary, the available evidence is currently insufficient to determine the role of this variant in disease. Therefore, it has been classified as a Variant of Uncertain Significance.

Fulgent Genetics
Classification: Uncertain significance for MYH7-related skeletal myopathy; Hypertrophic cardiomyopathy 1; Myopathy, myosin storage, autosomal recessive; Myosin storage myopathy; Dilated cardiomyopathy 1S. Last evaluated: 2024-03-12. Review status: criteria provided, single submitter. Criteria: ACMG Guidelines, 2015. Collection method: clinical testing. Allele origin: germline.

MVZ Martinsried, Medicover Genetics
Classification: Uncertain significance for Hypertrophic cardiomyopathy 1. Last evaluated: 2016-09-20. Review status: criteria provided, single submitter. Criteria: ACMG Guidelines, 2015. Collection method: clinical testing. Allele origin: unknown.

Literature cited by the submitters: PubMed 31737537 (cited by Labcorp Genetics (formerly Invitae), Labcorp).